The following is an entry in ClinVar:

NM_015692.5(CPAMD8):c.4774-6C>T

Gene: CPAMD8 (C3 and PZP like alpha-2-macroglobulin domain containing 8; minus strand). Cytogenetic location: 19p13.11.
Variant type: single nucleotide variant.
Coding change: c.4774-6C>T on transcript NM_015692.5 (MANE Select); 6 bases into the intron before coding-DNA position 4774, C replaced by T.
Molecular consequence: intron variant.
Genome position (GRCh38, 1-based): chr19:16,899,555, G>A on the plus strand (C>T on the coding strand, the complement: CPAMD8 is on the minus strand). VCF-style: chr19-16899555-G-A. GRCh37 (hg19) VCF-style: chr19-17010366-G-A.
Other names: c.4915-6C>T (NM_015692.2).
Identifiers: ClinVar variation 2044848 (VCV002044848.7), dbSNP rs112183208, ClinGen allele CA9284477.

ClinVar aggregate classification (germline): Benign/Likely benign. Review status: criteria provided, multiple submitters, no conflicts (2 of 4 stars). 3 submissions from 3 submitters: Benign (1); Likely benign (1). 1 of the submissions does not count toward it. Last evaluated 2025-05-18.

Conditions:
CPAMD8-related disorder. Also called: CPAMD8-related condition.

Allele frequency attached by ClinVar (database versions not stated): gnomAD exomes 0.00011; ExAC 0.00033; 1000 Genomes Project 30x 0.00047; 1000 Genomes Project 0.00060; ESP Exome Variant Server 0.00079; TOPMed 0.00118; gnomAD 0.00121.

Submissions (3):

Labcorp Genetics (formerly Invitae), Labcorp
Classification: Benign. Last evaluated: 2025-05-18. Review status: criteria provided, single submitter. Criteria: Invitae Variant Classification Sherloc (09022015). Collection method: clinical testing. Allele origin: germline.

Blueprint Genetics
Classification: Likely benign. Last evaluated: 2024-06-04. Review status: criteria provided, single submitter. Criteria: ACMG Guidelines, 2015. Collection method: clinical testing. Allele origin: germline.

PreventionGenetics, part of Exact Sciences
Classification: Likely benign for CPAMD8-related condition. Last evaluated: 2019-08-13. Review status: no assertion criteria provided. Collection method: clinical testing. Allele origin: germline. Not counted in ClinVar's aggregate classification.
Comment: This variant is classified as likely benign based on ACMG/AMP sequence variant interpretation guidelines (Richards et al. 2015 PMID: 25741868, with internal and published modifications).